The following is an entry in ClinVar:

NM_001374259.2(IL12RB2):c.185A>G (p.Tyr62Cys)

Gene: IL12RB2 (interleukin 12 receptor subunit beta 2; plus strand). Cytogenetic location: 1p31.3.
Variant type: single nucleotide variant.
Coding change: c.185A>G on transcript NM_001374259.2 (MANE Select); coding-DNA position 185, A replaced by G.
Protein change: p.Tyr62Cys; replaces tyrosine 62 with cysteine.
Molecular consequence: missense variant. On other transcripts: non-coding transcript variant (2).
Genome position (GRCh38, 1-based): chr1:67,321,710, A>G. VCF-style: chr1-67321710-A-G. GRCh37 (hg19) VCF-style: chr1-67787393-A-G.
Other names: c.185A>G, p.Tyr62Cys (NM_001258214.1, NM_001258215.1, NM_001258216.1 and 2 more transcripts); short protein forms Y62C.
Identifiers: ClinVar variation 3014967 (VCV003014967.3), dbSNP rs964657546, ClinGen allele CA23495490.

ClinVar aggregate classification (germline): Uncertain significance (1 of 4 stars; one submission).

Allele frequency attached by ClinVar (database versions not stated): gnomAD exomes below 0.00001.
gnomAD v4.1: 1 of 1,611,300 alleles (0.000062%); highest among the groups gnomAD compares: African/African-American, 0.0013%; no homozygotes.

Submission:

Labcorp Genetics (formerly Invitae), Labcorp
Classification: Uncertain significance. Last evaluated: 2023-02-09. Review status: criteria provided, single submitter. Criteria: Invitae Variant Classification Sherloc (09022015). Collection method: clinical testing. Allele origin: germline.
Comment: This sequence change replaces tyrosine, which is neutral and polar, with cysteine, which is neutral and slightly polar, at codon 62 of the IL12RB2 protein (p.Tyr62Cys). In summary, the available evidence is currently insufficient to determine the role of this variant in disease. Therefore, it has been classified as a Variant of Uncertain Significance. This variant is not present in population databases (gnomAD no frequency). This variant has not been reported in the literature in individuals affected with IL12RB2-related conditions. Algorithms developed to predict the effect of missense changes on protein structure and function output the following: SIFT: "Deleterious"; PolyPhen-2: "Benign"; Align-GVGD: "Class C0". The cysteine amino acid residue is found in multiple mammalian species, which suggests that this missense change does not adversely affect protein function.